The following is an entry in ClinVar:

ClinVar aggregate classification (germline): Uncertain significance. Review status: criteria provided, multiple submitters, no conflicts (2 of 4 stars). 2 submissions from 2 submitters: Uncertain significance (2). Last evaluated 2024-11-15.

Conditions:
Hereditary cancer-predisposing syndrome. Also called: Hereditary Cancer Syndrome; Neoplastic Syndromes, Hereditary; Tumor predisposition; Hereditary neoplastic syndrome. Identifiers: Orphanet 140162, MedGen C0027672, MeSH D009386, MONDO:0015356.
Ataxia-telangiectasia syndrome (AT). Also called: Cerebello-oculocutaneous telangiectasia; Immunodeficiency with ataxia telangiectasia; Ataxia-telangiectasia, complementation group E; Ataxia-telangiectasia, complementation group D; AT, COMPLEMENTATION GROUP C; ATAXIA-TELANGIECTASIA, COMPLEMENTATION GROUP A. Identifiers: Orphanet 100, MedGen C0004135, MONDO:0008840, OMIM 208900.

Submissions (2):

Labcorp Genetics (formerly Invitae), Labcorp
Classification: Uncertain significance for Ataxia-telangiectasia syndrome. Last evaluated: 2024-11-15. Review status: criteria provided, single submitter. Criteria: Invitae Variant Classification Sherloc (09022015). Collection method: clinical testing. Allele origin: germline.
Comment: This sequence change replaces leucine, which is neutral and non-polar, with phenylalanine, which is neutral and non-polar, at codon 2492 of the ATM protein (p.Leu2492Phe). This variant is not present in population databases (gnomAD no frequency). This variant has not been reported in the literature in individuals affected with ATM-related conditions. ClinVar contains an entry for this variant (Variation ID: 524355). Invitae Evidence Modeling of protein sequence and biophysical properties (such as structural, functional, and spatial information, amino acid conservation, physicochemical variation, residue mobility, and thermodynamic stability) indicates that this missense variant is not expected to disrupt ATM protein function with a negative predictive value of 95%. In summary, the available evidence is currently insufficient to determine the role of this variant in disease. Therefore, it has been classified as a Variant of Uncertain Significance.

Ambry Genetics
Classification: Uncertain significance for Hereditary cancer-predisposing syndrome. Last evaluated: 2023-04-28. Review status: criteria provided, single submitter. Criteria: Ambry Variant Classification Scheme 2023. Collection method: clinical testing. Allele origin: germline.
Comment: The p.L2492F variant (also known as c.7474C>T), located in coding exon 49 of the ATM gene, results from a C to T substitution at nucleotide position 7474. The leucine at codon 2492 is replaced by phenylalanine, an amino acid with highly similar properties. This amino acid position is conserved. In addition, the in silico prediction for this alteration is inconclusive. Since supporting evidence is limited at this time, the clinical significance of this alteration remains unclear.

NM_000051.4(ATM):c.7474C>T (p.Leu2492Phe)

Genes: ATM (ATM serine/threonine kinase; plus strand), C11orf65 (chromosome 11 open reading frame 65; minus strand). Cytogenetic location: 11q22.3.
Variant type: single nucleotide variant.
Coding change: c.7474C>T on transcript NM_000051.4 (MANE Select); coding-DNA position 7474, C replaced by T.
Protein change: p.Leu2492Phe; replaces leucine 2492 with phenylalanine.
Molecular consequence: missense variant. On other transcripts: intron variant (2).
Genome position (GRCh38, 1-based): chr11:108,330,380, C>T. VCF-style: chr11-108330380-C-T. GRCh37 (hg19) VCF-style: chr11-108201107-C-T.
Other names: c.7474C>T, p.Leu2492Phe (NM_001351834.2); c.641-21309G>A (NM_001330368.2); c.*38+4840G>A (NM_001351110.2); short protein forms L2492F.
Identifiers: ClinVar variation 524355 (VCV000524355.11), dbSNP rs1555123259, ClinGen allele CA382560454.